The following is an entry in ClinVar:

NM_173651.4(FSIP2):c.11999T>G (p.Val4000Gly)

Gene: FSIP2 (fibrous sheath interacting protein 2; plus strand). Cytogenetic location: 2q32.1.
Variant type: single nucleotide variant.
Coding change: c.11999T>G on transcript NM_173651.4 (MANE Select); coding-DNA position 11999, T replaced by G.
Protein change: p.Val4000Gly; replaces valine 4000 with glycine.
Molecular consequence: missense variant.
Genome position (GRCh38, 1-based): chr2:185,801,305, T>G. VCF-style: chr2-185801305-T-G. GRCh37 (hg19) VCF-style: chr2-186666032-T-G.
Other names: short protein forms V4000G.
Identifiers: ClinVar variation 3348464 (VCV003348464.1).
Genomic context (GRCh38, chr2:185,801,305, plus strand): 5'-TTTCAGAATTGTTTTTTAATCTCTCTATGTCATTGTGGGGCAAAAATAAAAACATCACTG[T>G]GTCCTGGCTCAATGAGATGAATACATTATTTGTCAACAATGTAGTGAATGAATTTAATAA-3'
Protein context (NP_775922.3, residues 3990-4010): SLWGKNKNIT[Val4000Gly]SWLNEMNTLF

ClinVar aggregate classification (germline): Uncertain significance (0 of 4 stars; one submission).

Conditions:
FSIP2-related disorder. Also called: FSIP2-related condition.

gnomAD v4.1: 1 of 1,533,622 alleles (0.000065%); no homozygotes.

Submission:

PreventionGenetics, part of Exact Sciences
Classification: Uncertain significance for FSIP2-related condition. Last evaluated: 2024-06-05. Review status: no assertion criteria provided. Collection method: clinical testing. Allele origin: germline.
Comment: The FSIP2 c.11999T>G variant is predicted to result in the amino acid substitution p.Val4000Gly. To our knowledge, this variant has not been reported in the literature or in a large population database, indicating this variant is rare. At this time, the clinical significance of this variant is uncertain due to the absence of conclusive functional and genetic evidence.